The following is an entry in ClinVar:

NM_000180.4(GUCY2D):c.299T>G (p.Leu100Arg)

Gene: GUCY2D (guanylate cyclase 2D, retinal; plus strand). Cytogenetic location: 17p13.1.
Variant type: single nucleotide variant.
Coding change: c.299T>G on transcript NM_000180.4 (MANE Select); coding-DNA position 299, T replaced by G.
Protein change: p.Leu100Arg; replaces leucine 100 with arginine.
Molecular consequence: missense variant.
Genome position (GRCh38, 1-based): chr17:8,003,346, T>G. VCF-style: chr17-8003346-T-G. GRCh37 (hg19) VCF-style: chr17-7906664-T-G.
Other names: short protein forms L100R.
Identifiers: ClinVar variation 4085849 (VCV004085849.8).
Genomic context (GRCh38, chr17:8,003,346, plus strand): 5'-CCGCCGCCCGCCTGAACCGCGACCCCGGCCTGGCAGGCGGTCCCCGCTTCGAGGTAGCGC[T>G]GCTGCCCGAGCCTTGCCGGACGCCGGGCTCGCTGGGGGCCGTGTCCTCCGCGCTGGCCCG-3'
Protein context (NP_000171.1, residues 90-110): LAGGPRFEVA[Leu100Arg]LPEPCRTPGS

ClinVar aggregate classification (germline): Uncertain significance (1 of 4 stars; one submission).

Submission:

CeGaT Center for Human Genetics Tuebingen
Classification: Uncertain significance. Last evaluated: 2025-08-01. Review status: criteria provided, single submitter. Criteria: CeGaT Center For Human Genetics Tuebingen Variant Classification Criteria Version 2. Collection method: clinical testing. Allele origin: germline. Affected: yes. Observed: 1 variant allele.
Comment: GUCY2D: PM2, PP3